The following is an entry in ClinVar:

NM_001430.5(EPAS1):c.1263C>G (p.Phe421Leu)

Gene: EPAS1 (endothelial PAS domain protein 1; plus strand). Cytogenetic location: 2p21.
Variant type: single nucleotide variant.
Coding change: c.1263C>G on transcript NM_001430.5 (MANE Select); coding-DNA position 1263, C replaced by G.
Protein change: p.Phe421Leu; replaces phenylalanine 421 with leucine.
Molecular consequence: missense variant.
Genome position (GRCh38, 1-based): chr2:46,377,907, C>G. VCF-style: chr2-46377907-C-G. GRCh37 (hg19) VCF-style: chr2-46605046-C-G.
Other names: short protein forms F421L.
Identifiers: ClinVar variation 1763551 (VCV001763551.3), dbSNP rs142534349, ClinGen allele CA46563718.

ClinVar aggregate classification (germline): Uncertain significance (1 of 4 stars; one submission).

Conditions:
Inborn genetic diseases. Identifiers: MedGen C0950123, MeSH D030342.

gnomAD v4.1: 1 of 1,552,700 alleles (0.000064%); highest among the groups gnomAD compares: Non-Finnish European, 0.000087%; no homozygotes.

Submission:

Ambry Genetics
Classification: Uncertain significance for Inborn genetic diseases. Last evaluated: 2024-07-06. Review status: criteria provided, single submitter. Criteria: Ambry Variant Classification Scheme 2023. Collection method: clinical testing. Allele origin: germline.
Comment: The p.F421L variant (also known as c.1263C>G), located in coding exon 10 of the EPAS1 gene, results from a C to G substitution at nucleotide position 1263. The phenylalanine at codon 421 is replaced by leucine, an amino acid with highly similar properties. This amino acid position is conserved. In addition, this alteration is predicted to be tolerated by in silico analysis. Since supporting evidence is limited at this time, the clinical significance of this alteration remains unclear.